The following is an entry in ClinVar:

NM_001042492.3(NF1):c.4072C>G (p.Pro1358Ala)

Gene: NF1 (neurofibromin 1; plus strand). Cytogenetic location: 17q11.2.
Variant type: single nucleotide variant.
Coding change: c.4072C>G on transcript NM_001042492.3 (MANE Select); coding-DNA position 4072, C replaced by G.
Protein change: p.Pro1358Ala; replaces proline 1358 with alanine.
Molecular consequence: missense variant.
Genome position (GRCh38, 1-based): chr17:31,249,081, C>G. VCF-style: chr17-31249081-C-G. GRCh37 (hg19) VCF-style: chr17-29576099-C-G.
Other names: c.4072C>G, p.Pro1358Ala (NM_000267.4); short protein forms P1358A.
Identifiers: ClinVar variation 484144 (VCV000484144.5), dbSNP rs1555617359, ClinGen allele CA398995026.

ClinVar aggregate classification (germline): Uncertain significance (1 of 4 stars; one submission).

Conditions:
Cardiovascular phenotype. Identifiers: MedGen CN230736.
Hereditary cancer-predisposing syndrome. Also called: Neoplastic Syndromes, Hereditary; Tumor predisposition; Hereditary Cancer Syndrome; Hereditary neoplastic syndrome. Identifiers: Orphanet 140162, MedGen C0027672, MeSH D009386, MONDO:0015356.

Submission:

Ambry Genetics
Classification: Uncertain significance for Cardiovascular phenotype; Hereditary cancer-predisposing syndrome. Last evaluated: 2017-07-26. Review status: criteria provided, single submitter. Criteria: Ambry Variant Classification Scheme 2023. Collection method: clinical testing. Allele origin: germline.
Comment: The p.P1358A variant (also known as c.4072C>G), located in coding exon 30 of the NF1 gene, results from a C to G substitution at nucleotide position 4072. The proline at codon 1358 is replaced by alanine, an amino acid with highly similar properties. This amino acid position is highly conserved in available vertebrate species. In addition, this alteration is predicted to be deleterious by in silico analysis. Since supporting evidence is limited at this time, the clinical significance of this alteration remains unclear.